The following is an entry in ClinVar:

ClinVar aggregate classification (germline): Pathogenic. Review status: criteria provided, single submitter (1 of 4 stars). 2 submissions from 2 submitters: Pathogenic (1). 1 of the submissions does not count toward it. Last evaluated 2023-05-22.

Conditions:
Hypodontia. Also called: Partial congenital absence of teeth; Tooth agenesis, selective. Identifiers: Orphanet 99798, MedGen C0020608, MONDO:0005486, HP:0000668. Disease mechanism: loss of function.
Tooth agenesis, selective, 3 (STHAG3). Also called: HYPODONTIA/OLIGODONTIA 3. Identifiers: Orphanet 99798, MedGen C1970291, MONDO:0011477, OMIM 604625. Disease mechanism: loss of function.

gnomAD v4.1: 1 of 1,613,522 alleles (0.000062%); highest among the groups gnomAD compares: Non-Finnish European, 0.000085%; no homozygotes.

Submissions (2):

Labcorp Genetics (formerly Invitae), Labcorp
Classification: Pathogenic for Hypodontia. Last evaluated: 2023-05-22. Review status: criteria provided, single submitter. Criteria: Invitae Variant Classification Sherloc (09022015). Collection method: clinical testing. Allele origin: germline.
Comment: For these reasons, this variant has been classified as Pathogenic. Advanced modeling of protein sequence and biophysical properties (such as structural, functional, and spatial information, amino acid conservation, physicochemical variation, residue mobility, and thermodynamic stability) performed at Invitae indicates that this missense variant is expected to disrupt PAX9 protein function. ClinVar contains an entry for this variant (Variation ID: 13774). This missense change has been observed in individual(s) with oligodontia (PMID: 14571272, 28910570). It has also been observed to segregate with disease in related individuals. This variant is not present in population databases (gnomAD no frequency). This sequence change replaces arginine, which is basic and polar, with tryptophan, which is neutral and slightly polar, at codon 26 of the PAX9 protein (p.Arg26Trp).

OMIM
Classification: Pathogenic for TOOTH AGENESIS, SELECTIVE, 3. Last evaluated: 2009-08-01. Review status: no assertion criteria provided. Collection method: literature only. Allele origin: germline. Not counted in ClinVar's aggregate classification.

Literature cited by the submitters: PubMed 14571272 (cited by Labcorp Genetics (formerly Invitae), Labcorp and OMIM); PubMed 28910570 (cited by Labcorp Genetics (formerly Invitae), Labcorp); PubMed 19429910 (cited by OMIM).

NM_001372076.1(PAX9):c.76C>T (p.Arg26Trp)

Gene: PAX9 (paired box 9; plus strand). Cytogenetic location: 14q13.3.
Variant type: single nucleotide variant.
Coding change: c.76C>T on transcript NM_001372076.1 (MANE Select); coding-DNA position 76, C replaced by T.
Protein change: p.Arg26Trp; replaces arginine 26 with tryptophan.
Molecular consequence: missense variant.
Genome position (GRCh38, 1-based): chr14:36,662,968, C>T. VCF-style: chr14-36662968-C-T. GRCh37 (hg19) VCF-style: chr14-37132173-C-T.
Other names: c.76C>T, p.Arg26Trp (NM_006194.4); short protein forms R26W.
Identifiers: ClinVar variation 13774 (VCV000013774.4), dbSNP rs28933972, ClinGen allele CA123449.
Genomic context (GRCh38, chr14:36,662,968, plus strand): 5'-GGGGAGGTGAACCAGCTGGGAGGAGTGTTCGTGAACGGGAGGCCGCTGCCCAACGCCATC[C>T]GGCTTCGCATCGTGGAACTGGCCCAACTGGGCATCCGACCGTGTGACATCAGCCGCCAGC-3'
Protein context (NP_001359005.1, residues 16-36): VNGRPLPNAI[Arg26Trp]LRIVELAQLG